The following is an entry in ClinVar:

NM_015506.3(MMACHC):c.228_231del (p.Asp77fs)

Gene: MMACHC (metabolism of cobalamin associated C; plus strand). Cytogenetic location: 1p34.1.
Variant type: Microsatellite.
Coding change: c.228_231del on transcript NM_015506.3 (MANE Select); coding-DNA positions 228 to 231, 4 bases deleted (TGAC; older notation c.228_231delTGAC).
Protein change: p.Asp77fs; shifts the reading frame from aspartic acid 77.
Molecular consequence: frameshift variant.
Genome position (GRCh38, 1-based): chr1:45,507,502-45,507,505, TGAC deleted; deleting any 4 consecutive bases within chr1:45,507,497-45,507,505 gives the same sequence; the c. name uses the placement nearest the transcript's 3' end. VCF-style (leftmost placement, unchanged base first): chr1-45507496-GCTGA-G. GRCh37 (hg19) VCF-style: chr1-45973168-GCTGA-G.
Other names: c.57_60del, p.Asp20fs (NM_001330540.2); c.228_231del (NM_015506.2); short protein forms D20fs, D77fs.
Identifiers: ClinVar variation 2676630 (VCV002676630.4), dbSNP rs1276164380, ClinGen allele CA736189248.

ClinVar aggregate classification (germline): Pathogenic. Review status: criteria provided, multiple submitters, no conflicts (2 of 4 stars). 2 submissions from 2 submitters: Pathogenic (2). Last evaluated 2024-08-23.

Conditions:
Cobalamin C disease. Also called: methylmalonic aciduria and homocystinuria type cblC; Methylmalonic aciduria with homocystinuria cblC type; Methylmalonic aciduria and homocystinuria, Vitamin B12-responsive; Vitamin B12 metabolic defect with combined deficiency of methylmalonyl-CoA mutase and homocysteine:methyltetrahydrofolate methyltransferase; Cobalamin-C methylmalonic acidemia and homocystinuria; Methylmalonic acidemia and homocystinuria cblC type. Identifiers: Orphanet 26, Orphanet 79282, MedGen C1848561, MONDO:0010184, OMIM 277400.

Submissions (2):

Natera, Inc.
Classification: Pathogenic for Methylmalonic aciduria and homocystinuria cblC type. Last evaluated: 2024-08-23. Review status: criteria provided, single submitter. Criteria: Natera Variant Classification Schema (03/2026). Collection method: clinical testing. Allele origin: germline.
Comment: The c.228_231del variant in MMACHC is a frameshift variant predicted to shift the reading frame beginning at codon 77 and leads to a stop codon 22 codons downstream. This variant is expected to result in nonsense mediated decay, truncation, or a dysfunctional protein product. This variant is rare in the general population with a frequency below the threshold expected for the associated phenotype(s). This variant has been observed in one or more individuals affected with the associated recessive disease, as either homozygous or compound heterozygous with a second variant (PMID: 35223700, 30728829). Given the available evidence, this variant is classified as Pathogenic.

Fulgent Genetics
Classification: Pathogenic for Cobalamin C disease. Last evaluated: 2024-06-11. Review status: criteria provided, single submitter. Criteria: ACMG Guidelines, 2015. Collection method: clinical testing. Allele origin: germline.

Literature cited by the submitters: PubMed 35223700 (cited by Natera, Inc.); PubMed 30728829 (cited by Natera, Inc.).